The following is an entry in ClinVar:

ClinVar aggregate classification (germline): Uncertain significance (1 of 4 stars; one submission).

gnomAD v4.1: 13 of 1,209,505 alleles (0.0011%); highest among the groups gnomAD compares: Non-Finnish European, 0.0013%; no homozygotes.

Submission:

Women's Health and Genetics/Laboratory Corporation of America, LabCorp
Classification: Uncertain significance. Last evaluated: 2026-05-13. Review status: criteria provided, single submitter. Criteria: LabCorp Variant Classification Summary - May 2015. Collection method: clinical testing. Allele origin: germline.
Comment: Variant summary: COL4A5 c.4339C>A (p.Gln1447Lys) results in a conservative amino acid change in the encoded protein sequence. Algorithms developed to predict the effect of missense changes on protein structure and function are either unavailable or do not agree on the potential impact of this missense change. The variant allele was found at a frequency of 1.1e-05 in 183016 control chromosomes. The available data on variant occurrences in the general population are insufficient to allow any conclusion about variant significance. To our knowledge, no occurrence of c.4339C>A in individuals affected with COL4A5-related conditions and no experimental evidence demonstrating its impact on protein function have been reported. No submitters have cited clinical-significance assessments for this variant to ClinVar. Based on the evidence outlined above, the variant was classified as uncertain significance.

NM_033380.3(COL4A5):c.4357C>A (p.Gln1453Lys)

Gene: COL4A5 (collagen type IV alpha 5 chain; plus strand). Cytogenetic location: Xq22.3.
Variant type: single nucleotide variant.
Coding change: c.4357C>A on transcript NM_033380.3 (MANE Select); coding-DNA position 4357, C replaced by A.
Protein change: p.Gln1453Lys; replaces glutamine 1453 with lysine.
Molecular consequence: missense variant.
Genome position (GRCh38, 1-based): chrX:108,687,523, C>A. VCF-style: chrX-108687523-C-A. GRCh37 (hg19) VCF-style: chrX-107930753-C-A.
Other names: c.4339C>A, p.Gln1447Lys (NM_000495.5); short protein forms Q1447K, Q1453K.
Identifiers: ClinVar variation 4853146 (VCV004853146.1).